The following is an entry in ClinVar:

ClinVar aggregate classification (germline): Uncertain significance (1 of 4 stars; one submission).

Submission:

GeneDx
Classification: Uncertain significance. Last evaluated: 2024-03-19. Review status: criteria provided, single submitter. Criteria: GeneDx Variant Classification Process June 2021. Collection method: clinical testing. Allele origin: germline. Affected: yes.
Comment: Not observed at significant frequency in large population cohorts (gnomAD); In silico analysis supports that this missense variant has a deleterious effect on protein structure/function; Has not been previously published as pathogenic or benign to our knowledge

NM_032387.5(WNK4):c.673C>G (p.Leu225Val)

Gene: WNK4 (WNK lysine deficient protein kinase 4; plus strand). Cytogenetic location: 17q21.2.
Variant type: single nucleotide variant.
Coding change: c.673C>G on transcript NM_032387.5 (MANE Select); coding-DNA position 673, C replaced by G.
Protein change: p.Leu225Val; replaces leucine 225 with valine.
Molecular consequence: missense variant. On other transcripts: 5 prime UTR variant (1).
Genome position (GRCh38, 1-based): chr17:42,782,812, C>G. VCF-style: chr17-42782812-C-G. GRCh37 (hg19) VCF-style: chr17-40934830-C-G.
Other names: c.-247C>G (NM_001321299.2); short protein forms L225V.
Identifiers: ClinVar variation 3371064 (VCV003371064.1).